The following is an entry in ClinVar:

ClinVar aggregate classification (germline): Uncertain significance. Review status: criteria provided, multiple submitters, no conflicts (2 of 4 stars). 2 submissions from 2 submitters: Uncertain significance (2). Last evaluated 2024-11-01.

Conditions:
Hereditary cancer-predisposing syndrome. Also called: Neoplastic Syndromes, Hereditary; Hereditary Cancer Syndrome; Hereditary neoplastic syndrome; Tumor predisposition. Identifiers: Orphanet 140162, MedGen C0027672, MeSH D009386, MONDO:0015356.

Submissions (2):

Ambry Genetics
Classification: Uncertain significance for Hereditary cancer-predisposing syndrome. Last evaluated: 2024-11-01. Review status: criteria provided, single submitter. Criteria: Ambry Variant Classification Scheme 2023. Collection method: clinical testing. Allele origin: germline.
Comment: The p.Q1332K variant (also known as c.3994C>A), located in coding exon 31 of the POLE gene, results from a C to A substitution at nucleotide position 3994. The glutamine at codon 1332 is replaced by lysine, an amino acid with similar properties. This amino acid position is conserved. In addition, the in silico prediction for this alteration is inconclusive. Based on the available evidence, the clinical significance of this variant remains unclear.

Labcorp Genetics (formerly Invitae), Labcorp
Classification: Uncertain significance. Last evaluated: 2020-03-31. Review status: criteria provided, single submitter. Criteria: Invitae Variant Classification Sherloc (09022015). Collection method: clinical testing. Allele origin: germline.
Comment: Algorithms developed to predict the effect of missense changes on protein structure and function are either unavailable or do not agree on the potential impact of this missense change (SIFT: "Tolerated"; PolyPhen-2: "Possibly Damaging"; Align-GVGD: "Class C0"). In summary, the available evidence is currently insufficient to determine the role of this variant in disease. Therefore, it has been classified as a Variant of Uncertain Significance. This variant has not been reported in the literature in individuals with POLE-related conditions. This variant is not present in population databases (ExAC no frequency). This sequence change replaces glutamine with lysine at codon 1332 of the POLE protein (p.Gln1332Lys). The glutamine residue is highly conserved and there is a small physicochemical difference between glutamine and lysine.

NM_006231.4(POLE):c.3994C>A (p.Gln1332Lys)

Gene: POLE (DNA polymerase epsilon, catalytic subunit; minus strand). Cytogenetic location: 12q24.33.
Variant type: single nucleotide variant.
Coding change: c.3994C>A on transcript NM_006231.4 (MANE Select); coding-DNA position 3994, C replaced by A.
Protein change: p.Gln1332Lys; replaces glutamine 1332 with lysine.
Molecular consequence: missense variant.
Genome position (GRCh38, 1-based): chr12:132,649,317, G>T on the plus strand (C>A on the coding strand, the complement: POLE is on the minus strand). VCF-style: chr12-132649317-G-T. GRCh37 (hg19) VCF-style: chr12-133225903-G-T.
Other names: c.3994C>A (NM_006231.2); short protein forms Q1332K.
Identifiers: ClinVar variation 1058873 (VCV001058873.10), dbSNP rs2138604919, ClinGen allele CA387384650.